The following is an entry in ClinVar:

NM_000138.5(FBN1):c.736+9G>A

Gene: FBN1 (fibrillin 1; minus strand). Cytogenetic location: 15q21.1.
Variant type: single nucleotide variant.
Coding change: c.736+9G>A on transcript NM_000138.5 (MANE Select); 9 bases into the intron after coding-DNA position 736, G replaced by A.
Molecular consequence: intron variant.
Genome position (GRCh38, 1-based): chr15:48,537,602, C>T on the plus strand (G>A on the coding strand, the complement: FBN1 is on the minus strand). VCF-style: chr15-48537602-C-T. GRCh37 (hg19) VCF-style: chr15-48829799-C-T.
Identifiers: ClinVar variation 382808 (VCV000382808.18), dbSNP rs368241741, ClinGen allele CA058382.
Genomic context (GRCh38, chr15:48,537,602, plus strand): 5'-TTCATTGGAGAATGGCTCTCCAGAGCAAATAAGATTAATCCATTAATAATTCCATCAGCC[C>T]GGGTTTACCTTGACAAGCTCCCGTGCGGATATTTGGAATGAAGCCACGGCGGCAGGGGTG-3'

ClinVar aggregate classification (germline): Likely benign. Review status: criteria provided, multiple submitters, no conflicts (2 of 4 stars). 4 submissions from 4 submitters: Likely benign (4). Last evaluated 2026-01-13.

Conditions:
Marfan syndrome (MFS). Also called: Marfan syndrome, classic; Marfan syndrome type 1; Marfan's syndrome; MARFAN SYNDROME, TYPE I; FBN1-Related Marfan Syndrome. Identifiers: Orphanet 284963, Orphanet 558, MedGen C0024796, MONDO:0007947, OMIM 154700.
Familial thoracic aortic aneurysm and aortic dissection (TAAD). Also called: Thoracic aortic aneurysms and dissections. Identifiers: Orphanet 91387, MedGen C4707243, MONDO:0019625.

Allele frequency attached by ClinVar (database versions not stated): TOPMed 0.00010; gnomAD exomes 0.00001 and 0.00002; ESP Exome Variant Server 0.00031; ExAC 0.00002; gnomAD 0.00013 and 0.00014.
gnomAD v4.1: 37 of 1,613,980 alleles (0.0023%); highest among the groups gnomAD compares: African/African-American, 0.032%; no homozygotes.

Submissions (4):

Labcorp Genetics (formerly Invitae), Labcorp
Classification: Likely benign for Marfan syndrome; Familial thoracic aortic aneurysm and aortic dissection. Last evaluated: 2026-01-13. Review status: criteria provided, single submitter. Criteria: Invitae Variant Classification Sherloc (09022015). Collection method: clinical testing. Allele origin: germline.

Blueprint Genetics
Classification: Likely benign. Last evaluated: 2024-04-12. Review status: criteria provided, single submitter. Criteria: ACMG Guidelines, 2015. Collection method: clinical testing. Allele origin: germline.

ARUP Laboratories, Molecular Genetics and Genomics, ARUP Laboratories
Classification: Likely benign. Last evaluated: 2021-11-17. Review status: criteria provided, single submitter. Criteria: ARUP Molecular Germline Variant Investigation Process 2021. Collection method: clinical testing. Allele origin: germline.

GeneDx
Classification: Likely benign. Last evaluated: 2017-04-21. Review status: criteria provided, single submitter. Criteria: GeneDx Variant Classification (06012015). Collection method: clinical testing. Allele origin: germline. Affected: yes.
Comment: This variant is considered likely benign or benign based on one or more of the following criteria: it is a conservative change, it occurs at a poorly conserved position in the protein, it is predicted to be benign by multiple in silico algorithms, and/or has population frequency not consistent with disease.